The following is an entry in ClinVar:

ClinVar aggregate classification (germline): Benign. Review status: criteria provided, multiple submitters, no conflicts (2 of 4 stars). 2 submissions from 2 submitters: Benign (2). Last evaluated 2018-06-15.

Allele frequency attached by ClinVar (database versions not stated): 1000 Genomes Project 30x 0.47705; 1000 Genomes Project 0.47724; gnomAD exomes 0.50622; TOPMed 0.51511; gnomAD 0.51731 and 0.52266.
gnomAD v4.1: 791,268 of 1,560,656 alleles (51%); highest among the groups gnomAD compares: African/African-American, 55%; 202,421 homozygotes.

Submissions (2):

GeneDx
Classification: Benign. Last evaluated: 2018-06-15. Review status: criteria provided, single submitter. Criteria: GeneDx Variant Classification (06012015). Collection method: clinical testing. Allele origin: germline. Affected: yes.
Comment: This variant is considered likely benign or benign based on one or more of the following criteria: it is a conservative change, it occurs at a poorly conserved position in the protein, it is predicted to be benign by multiple in silico algorithms, and/or has population frequency not consistent with disease.

Breakthrough Genomics
Classification: Benign. Review status: criteria provided, single submitter. Criteria: ACMG Guidelines, 2015. Collection method: not provided. Allele origin: germline. Inheritance: Unknown mechanism. Affected: yes.

NM_004517.4(ILK):c.255+89G>A

Genes: TAF10 (TATA-box binding protein associated factor 10; minus strand), ILK (integrin linked kinase; plus strand). Cytogenetic location: 11p15.4.
Variant type: single nucleotide variant.
Coding change: c.255+89G>A on transcript NM_004517.4 (MANE Select); 89 bases into the intron after coding-DNA position 255, G replaced by A.
Molecular consequence: intron variant. On other transcripts: 3 prime UTR variant (1).
Genome position (GRCh38, 1-based): chr11:6,608,300, G>A. VCF-style: chr11-6608300-G-A. GRCh37 (hg19) VCF-style: chr11-6629530-G-A.
Other names: c.*2622C>T (NM_006284.4); c.255+89G>A (NM_001014795.3, NM_001278441.2, NM_001014794.3); c.-147-94G>A (NM_001278442.2).
Identifiers: ClinVar variation 672699 (VCV000672699.3), dbSNP rs2048092, ClinGen allele CA13557721.